The following is an entry in ClinVar:

NM_001035.3(RYR2):c.13569C>T (p.Ser4523=)

Gene: RYR2 (ryanodine receptor 2; plus strand). Cytogenetic location: 1q43.
Variant type: single nucleotide variant.
Coding change: c.13569C>T on transcript NM_001035.3 (MANE Select); coding-DNA position 13569, C replaced by T.
Protein change: p.Ser4523=; no amino-acid change (serine 4523 retained).
Molecular consequence: synonymous variant.
Genome position (GRCh38, 1-based): chr1:237,792,110, C>T. VCF-style: chr1-237792110-C-T. GRCh37 (hg19) VCF-style: chr1-237955410-C-T.
Identifiers: ClinVar variation 2909177 (VCV002909177.3), dbSNP rs766709942, ClinGen allele CA085415.

ClinVar aggregate classification (germline): Uncertain significance (1 of 4 stars; one submission).

Conditions:
Catecholaminergic polymorphic ventricular tachycardia 1. Also called: VENTRICULAR TACHYCARDIA, STRESS-INDUCED POLYMORPHIC 1; VENTRICULAR TACHYCARDIA, CATECHOLAMINERGIC POLYMORPHIC, 1, WITH OR WITHOUT ATRIAL DYSFUNCTION AND/OR DILATED CARDIOMYOPATHY; RYR2-Related Catecholaminergic Polymorphic Ventricular Tachycardia. Identifiers: Orphanet 3286, MedGen C1631597, MONDO:0011484, OMIM 604772.

Allele frequency attached by ClinVar (database versions not stated): gnomAD exomes below 0.00001; ExAC 0.00003.
gnomAD v4.1: 2 of 1,591,588 alleles (0.00013%); highest among the groups gnomAD compares: Admixed American, 0.0018%; no homozygotes.

Submission:

Labcorp Genetics (formerly Invitae), Labcorp
Classification: Uncertain significance for Catecholaminergic polymorphic ventricular tachycardia 1. Last evaluated: 2022-12-08. Review status: criteria provided, single submitter. Criteria: Invitae Variant Classification Sherloc (09022015). Collection method: clinical testing. Allele origin: germline.
Comment: In summary, the available evidence is currently insufficient to determine the role of this variant in disease. Therefore, it has been classified as a Variant of Uncertain Significance. Algorithms developed to predict the effect of sequence changes on RNA splicing suggest that this variant may create or strengthen a splice site. This variant has not been reported in the literature in individuals affected with RYR2-related conditions. This variant is present in population databases (rs766709942, gnomAD 0.003%). This sequence change affects codon 4523 of the RYR2 mRNA. It is a 'silent' change, meaning that it does not change the encoded amino acid sequence of the RYR2 protein.